The following is an entry in ClinVar:

NM_000312.4(PROC):c.-32G>A

Gene: PROC (protein C, inactivator of coagulation factors Va and VIIIa; plus strand). Cytogenetic location: 2q14.3.
Variant type: single nucleotide variant.
Coding change: c.-32G>A on transcript NM_000312.4 (MANE Select); 32 bases upstream of the start codon, G replaced by A.
Molecular consequence: 5 prime UTR variant. On other transcripts: synonymous variant (6).
Genome position (GRCh38, 1-based): chr2:127,418,482, G>A. VCF-style: chr2-127418482-G-A. GRCh37 (hg19) VCF-style: chr2-128176058-G-A.
Other names: c.36G>A, p.Thr12= (NM_001375602.1, NM_001375603.1, NM_001375604.1 and 3 more transcripts); c.-32G>A (NM_001375605.1, NM_001375608.1, NM_001375610.1); c.-48G>A (NM_001375611.1).
Identifiers: ClinVar variation 3043186 (VCV003043186.4), dbSNP rs912629007, ClinGen allele CA55339727.
Genomic context (GRCh38, chr2:127,418,482, plus strand): 5'-GGATTAACTCGAACTCCAGGCTGTCATGGCGGCAGGACGGCGAACTTGCAGTATCTCCAC[G>A]ACCCGCCCCTGTGAGTCCCCCTCCAGGCAGGTCTATGAGGGGTGTGGAGGGAGGGCTGCC-3'

ClinVar aggregate classification (germline): Uncertain significance. Review status: criteria provided, multiple submitters, no conflicts (2 of 4 stars). 3 submissions from 3 submitters: Uncertain significance (2). 1 of the submissions does not count toward it. Last evaluated 2025-06-11.

Conditions:
PROC-related disorder. Also called: PROC-related condition.

gnomAD v4.1: 92 of 1,289,800 alleles (0.0071%); highest among the groups gnomAD compares: South Asian, 0.033%; 1 homozygote.

Submissions (3):

Women's Health and Genetics/Laboratory Corporation of America, LabCorp
Classification: Uncertain significance. Last evaluated: 2025-06-11. Review status: criteria provided, single submitter. Criteria: LabCorp Variant Classification Summary - May 2015. Collection method: clinical testing. Allele origin: germline.
Comment: Variant summary: PROC c.-32G>A is located in the untranslated mRNA region upstream of the initiation codon. The variant allele was found at a frequency of 2.9e-05 in 137018 control chromosomes. The available data on variant occurrences in the general population are insufficient to allow any conclusion about variant significance. To our knowledge, no verifiable reports of c.-32G>A have been observed in any individual(s) affected with PROC-related conditions. However 1 publication was identified with a possible, but not confirmed, match in which a heterozygous variant "G-1458A" was found in 1 individual with protein C deficiency (Sakata_2000). These report(s) do not provide unequivocal conclusions about association of the variant with Thrombophilia Due To Protein C Deficiency, Autosomal Dominant. To our knowledge, no experimental evidence demonstrating an impact on protein function has been reported. The following publications have been ascertained in the context of this evaluation (PMID: 10805275, 37647632). ClinVar contains an entry for this variant (Variation ID: 3043186). Based on the evidence outlined above, the variant was classified as uncertain significance.

Blueprint Genetics
Classification: Uncertain significance. Last evaluated: 2023-11-16. Review status: criteria provided, single submitter. Criteria: ACMG Guidelines, 2015. Collection method: clinical testing. Allele origin: germline.

PreventionGenetics, part of Exact Sciences
Classification: Likely benign for PROC-related condition. Last evaluated: 2019-04-12. Review status: no assertion criteria provided. Collection method: clinical testing. Allele origin: germline. Not counted in ClinVar's aggregate classification.
Comment: This variant is classified as likely benign based on ACMG/AMP sequence variant interpretation guidelines (Richards et al. 2015 PMID: 25741868, with internal and published modifications).

Literature cited by the submitters: PubMed 37647632 (cited by Women's Health and Genetics/Laboratory Corporation of America, LabCorp); PubMed 10805275 (cited by Women's Health and Genetics/Laboratory Corporation of America, LabCorp).